The following is an entry in ClinVar:

ClinVar aggregate classification (germline): Uncertain significance (1 of 4 stars; one submission).

Conditions:
Epilepsy, childhood absence, susceptibility to, 5. Identifiers: Orphanet 64280, MedGen C2677087, MONDO:0012843, OMIM 612269.
Epilepsy, childhood absence, susceptibility to, 1. Also called: Epilepsy, childhood absence 1. Identifiers: Orphanet 64280, MedGen C1838604, MONDO:0020759, OMIM 600131.

Submission:

Labcorp Genetics (formerly Invitae), Labcorp
Classification: Uncertain significance for Epilepsy, childhood absence, susceptibility to, 5; Epilepsy, childhood absence, susceptibility to, 1. Last evaluated: 2024-03-01. Review status: criteria provided, single submitter. Criteria: Invitae Variant Classification Sherloc (09022015). Collection method: clinical testing. Allele origin: germline.
Comment: This sequence change replaces threonine, which is neutral and polar, with methionine, which is neutral and non-polar, at codon 107 of the GABRB3 protein (p.Thr107Met). This variant is not present in population databases (gnomAD no frequency). This variant has not been reported in the literature in individuals affected with GABRB3-related conditions. ClinVar contains an entry for this variant (Variation ID: 1429684). Advanced modeling of protein sequence and biophysical properties (such as structural, functional, and spatial information, amino acid conservation, physicochemical variation, residue mobility, and thermodynamic stability) performed at Invitae indicates that this missense variant is expected to disrupt GABRB3 protein function with a positive predictive value of 95%. In summary, the available evidence is currently insufficient to determine the role of this variant in disease. Therefore, it has been classified as a Variant of Uncertain Significance.

NM_000814.6(GABRB3):c.320C>T (p.Thr107Met)

Gene: GABRB3 (gamma-aminobutyric acid type A receptor subunit beta3; minus strand). Cytogenetic location: 15q12.
Variant type: single nucleotide variant.
Coding change: c.320C>T on transcript NM_000814.6 (MANE Select); coding-DNA position 320, C replaced by T.
Protein change: p.Thr107Met; replaces threonine 107 with methionine.
Molecular consequence: missense variant. On other transcripts: non-coding transcript variant (1).
Genome position (GRCh38, 1-based): chr15:26,621,455, G>A on the plus strand (C>T on the coding strand, the complement: GABRB3 is on the minus strand). VCF-style: chr15-26621455-G-A. GRCh37 (hg19) VCF-style: chr15-26866602-G-A.
Other names: c.65C>T, p.Thr22Met (NM_001191320.2, NM_001278631.2); c.107C>T, p.Thr36Met (NM_001191321.3); c.320C>T, p.Thr107Met (NM_021912.5); short protein forms T107M, T22M, T36M.
Identifiers: ClinVar variation 1429684 (VCV001429684.8), dbSNP rs1347499222, ClinGen allele CA391461090.
Genomic context (GRCh38, chr15:26,621,455, plus strand): 5'-TTGTCATTTAAGAAATATGTGTCGGGCACCCATAGCTGGTCAGCCACTCGATTGTCAAGC[G>A]TGAGGTTGAGAGGGATCCCAGAATAGGCGAGCCTTTTATCTCTCCAATATTGTTGAAAAT-3'
Protein context (NP_000805.1, residues 97-117): LAYSGIPLNL[Thr107Met]LDNRVADQLW